The following is an entry in ClinVar:

NM_032383.5(HPS3):c.51C>T (p.Pro17=)

Gene: HPS3 (HPS3 biogenesis of lysosomal organelles complex 2 subunit 1; plus strand). Cytogenetic location: 3q24.
Variant type: single nucleotide variant.
Coding change: c.51C>T on transcript NM_032383.5 (MANE Select); coding-DNA position 51, C replaced by T.
Protein change: p.Pro17=; no amino-acid change (proline 17 retained).
Molecular consequence: synonymous variant.
Genome position (GRCh38, 1-based): chr3:149,129,774, C>T. VCF-style: chr3-149129774-C-T. GRCh37 (hg19) VCF-style: chr3-148847561-C-T.
Other names: p.Pro17=; c.51C>T, p.Pro17= (NM_001308258.2).
Identifiers: ClinVar variation 227429 (VCV000227429.24), dbSNP rs141883346, ClinGen allele CA2659706.

ClinVar aggregate classification (germline): Conflicting classifications of pathogenicity. Review status: criteria provided, conflicting classifications (1 of 4 stars). 9 submissions from 9 submitters: Uncertain significance (1); Benign (1); Likely benign (6). 1 of the submissions does not count toward it. Last evaluated 2026-08-01.

Conditions:
Hermansky-Pudlak syndrome (HPS). Also called: ALBINISM WITH HEMORRHAGIC DIATHESIS AND PIGMENTED RETICULOENDOTHELIAL CELLS. Identifiers: Orphanet 79430, MedGen C0079504, MONDO:0019312.
Hermansky-Pudlak syndrome 3 (HPS3). Identifiers: Orphanet 231512, Orphanet 79430, MedGen C3888001, MONDO:0013555, OMIM 614072.

Allele frequency attached by ClinVar (database versions not stated): 1000 Genomes Project 30x 0.00016; 1000 Genomes Project 0.00020; TOPMed 0.00076; ESP Exome Variant Server 0.00077; gnomAD exomes 0.00084 and 0.00119; gnomAD 0.00091 and 0.00097; ExAC 0.00113.
gnomAD v4.1: 1,867 of 1,608,694 alleles (0.12%); highest among the groups gnomAD compares: Non-Finnish European, 0.14%; 1 homozygote.

Submissions (9):

CeGaT Center for Human Genetics Tuebingen
Classification: Likely benign. Last evaluated: 2026-08-01. Review status: criteria provided, single submitter. Criteria: CeGaT Center For Human Genetics Tuebingen Variant Classification Criteria Version 2. Collection method: clinical testing. Allele origin: germline. Affected: yes. Observed: 1 variant allele.
Comment: HPS3: BP4, BP7

Labcorp Genetics (formerly Invitae), Labcorp
Classification: Likely benign. Last evaluated: 2026-01-24. Review status: criteria provided, single submitter. Criteria: Invitae Variant Classification Sherloc (09022015). Collection method: clinical testing. Allele origin: germline.

Mayo Clinic Laboratories, Mayo Clinic
Classification: Likely benign. Last evaluated: 2025-05-29. Review status: criteria provided, single submitter. Criteria: ACMG Guidelines, 2015. Collection method: clinical testing. Allele origin: germline. Observed: 2 variant alleles.
Comment: BS1, BP4, BP7

Blueprint Genetics
Classification: Likely benign. Last evaluated: 2024-10-30. Review status: criteria provided, single submitter. Criteria: ACMG Guidelines, 2015. Collection method: clinical testing. Allele origin: germline.

Women's Health and Genetics/Laboratory Corporation of America, LabCorp
Classification: Benign. Last evaluated: 2024-07-16. Review status: criteria provided, single submitter. Criteria: LabCorp Variant Classification Summary - May 2015. Collection method: clinical testing. Allele origin: germline.

Illumina Laboratory Services, Illumina
Classification: Uncertain significance for Hermansky-Pudlak syndrome 3. Last evaluated: 2018-01-13. Review status: criteria provided, single submitter. Criteria: ICSL Variant Classification Criteria 13 December 2019. Collection method: clinical testing. Allele origin: germline.

Laboratory for Molecular Medicine, Mass General Brigham Personalized Medicine
Classification: Likely benign. Last evaluated: 2016-01-29. Review status: criteria provided, single submitter. Criteria: LMM Criteria. Collection method: clinical testing. Allele origin: germline. Observed: 1 variant allele.
Comment: p.Pro17Pro in exon 1 of HPS3: This variant is not expected to have clinical sign ificance because it does not alter an amino acid residue and is not located with in the splice consensus sequence. It has been identified in 0.1% (111/59912) of European chromosomes by the Exome Aggregation Consortium (ExAC; dbSNP rs141883346).

PreventionGenetics, part of Exact Sciences
Classification: Likely benign. Review status: criteria provided, single submitter. Criteria: ACMG Guidelines, 2015. Collection method: clinical testing. Allele origin: germline.

Natera, Inc.
Classification: Likely benign for Hermansky-Pudlak syndrome. Last evaluated: 2020-09-16. Review status: no assertion criteria provided. Collection method: clinical testing. Allele origin: germline. Not counted in ClinVar's aggregate classification.